The following is an entry in ClinVar:

NM_001999.4(FBN2):c.7656G>A (p.Gly2552=)

Gene: FBN2 (fibrillin 2; minus strand). Cytogenetic location: 5q23.3.
Variant type: single nucleotide variant.
Coding change: c.7656G>A on transcript NM_001999.4 (MANE Select); coding-DNA position 7656, G replaced by A.
Protein change: p.Gly2552=; no amino-acid change (glycine 2552 retained).
Molecular consequence: synonymous variant.
Genome position (GRCh38, 1-based): chr5:128,274,622, C>T on the plus strand (G>A on the coding strand, the complement: FBN2 is on the minus strand). VCF-style: chr5-128274622-C-T. GRCh37 (hg19) VCF-style: chr5-127610314-C-T.
Other names: c.7656G>A (NM_001999.3).
Identifiers: ClinVar variation 1603495 (VCV001603495.10), dbSNP rs982288060, ClinGen allele CA446306668.

ClinVar aggregate classification (germline): Likely benign. Review status: criteria provided, multiple submitters, no conflicts (2 of 4 stars). 3 submissions from 3 submitters: Likely benign (2). 1 of the submissions does not count toward it. Last evaluated 2024-02-17.

Conditions:
Congenital contractural arachnodactyly (CCA). Also called: BEALS SYNDROME; Beals-Hecht syndrome; Arthrogryposis, distal, type 9. Identifiers: Orphanet 115, MedGen C0220668, MONDO:0007363, OMIM 121050.
FBN2-related disorder. Also called: FBN2-related condition.
Familial thoracic aortic aneurysm and aortic dissection (TAAD). Also called: Thoracic aortic aneurysms and dissections. Identifiers: Orphanet 91387, MedGen C4707243, MONDO:0019625.

gnomAD v4.1: 11 of 1,613,484 alleles (0.00068%); highest among the groups gnomAD compares: Admixed American, 0.0017%; no homozygotes.

Submissions (3):

Labcorp Genetics (formerly Invitae), Labcorp
Classification: Likely benign for Congenital contractural arachnodactyly. Last evaluated: 2024-02-17. Review status: criteria provided, single submitter. Criteria: Invitae Variant Classification Sherloc (09022015). Collection method: clinical testing. Allele origin: germline.

Ambry Genetics
Classification: Likely benign for Familial thoracic aortic aneurysm and aortic dissection. Last evaluated: 2023-05-06. Review status: criteria provided, single submitter. Criteria: Ambry Variant Classification Scheme 2023. Collection method: clinical testing. Allele origin: germline.

PreventionGenetics, part of Exact Sciences
Classification: Likely benign for FBN2-related condition. Last evaluated: 2024-09-17. Review status: no assertion criteria provided. Collection method: clinical testing. Allele origin: germline. Not counted in ClinVar's aggregate classification.
Comment: This variant is classified as likely benign based on ACMG/AMP sequence variant interpretation guidelines (Richards et al. 2015 PMID: 25741868, with internal and published modifications).